The following is an entry in ClinVar:

NM_000135.4(FANCA):c.933_936delinsCT (p.Ser312fs)

Gene: FANCA (FA complementation group A; minus strand). Cytogenetic location: 16q24.3.
Variant type: Indel.
Coding change: c.933_936delinsCT on transcript NM_000135.4 (MANE Select); coding-DNA positions 933 to 936, TTCC replaced by CT.
Protein change: p.Ser312fs; shifts the reading frame from serine 312.
Molecular consequence: frameshift variant.
Genome position (GRCh38, 1-based): chr16:89,795,976-89,795,979, GGAA replaced by AG on the plus strand (TTCC replaced by CT on the coding strand, the reverse complement: FANCA is on the minus strand). VCF-style: chr16-89795976-GGAA-AG. GRCh37 (hg19) VCF-style: chr16-89862384-GGAA-AG.
Other names: c.933_936delinsCT, p.Ser312fs (NM_001286167.3); short protein forms S312fs.
Identifiers: ClinVar variation 974300 (VCV000974300.1), dbSNP rs2040232900, ClinGen allele CA1139664970.

ClinVar aggregate classification (germline): Pathogenic (0 of 4 stars; one submission).

Conditions:
Fanconi anemia complementation group A (FANCA). Also called: Fanconi anemia, group A; FANCA-Related Fanconi Anemia. Identifiers: Orphanet 84, MedGen C3469521, MONDO:0009215, OMIM 227650.

Submission:

Leiden Open Variation Database
Classification: Pathogenic for Fanconi anemia complementation group A. Last evaluated: 2020-02-28. Review status: no assertion criteria provided. Collection method: curation. Allele origin: germline. Affected: yes.
Comment: Curator: Arleen D. Auerbach. Submitter to LOVD: Arleen D. Auerbach.